The following is an entry in ClinVar:

ClinVar aggregate classification (germline): Likely benign (1 of 4 stars; one submission).

Allele frequency attached by ClinVar (database versions not stated): 1000 Genomes Project 0.00020; TOPMed 0.00002; ExAC 0.00005; 1000 Genomes Project 30x 0.00016.
gnomAD v4.1: 23 of 1,592,578 alleles (0.0014%); highest among the groups gnomAD compares: Middle Eastern, 0.017%; no homozygotes.

Submission:

CeGaT Center for Human Genetics Tuebingen
Classification: Likely benign. Last evaluated: 2022-04-01. Review status: criteria provided, single submitter. Criteria: CeGaT Center For Human Genetics Tuebingen Variant Classification Criteria Version 2. Collection method: clinical testing. Allele origin: germline. Affected: yes. Observed: 1 variant allele.
Comment: SDK2: BP4, BP7

NM_001144952.2(SDK2):c.1833G>A (p.Thr611=)

Gene: SDK2 (sidekick cell adhesion molecule 2; minus strand). Cytogenetic location: 17q25.1.
Variant type: single nucleotide variant.
Coding change: c.1833G>A on transcript NM_001144952.2 (MANE Select); coding-DNA position 1833, G replaced by A.
Protein change: p.Thr611=; no amino-acid change (threonine 611 retained).
Molecular consequence: synonymous variant.
Genome position (GRCh38, 1-based): chr17:73,423,450, C>T on the plus strand (G>A on the coding strand, the complement: SDK2 is on the minus strand). VCF-style: chr17-73423450-C-T. GRCh37 (hg19) VCF-style: chr17-71419589-C-T.
Identifiers: ClinVar variation 2648184 (VCV002648184.24), dbSNP rs146912233, ClinGen allele CA8743698.